The following is an entry in ClinVar:

ClinVar aggregate classification (germline): Uncertain significance (1 of 4 stars; one submission).

Conditions:
PKD1L1-related disorder. Also called: PKD1L1-related condition.

gnomAD v4.1: 27 of 1,614,042 alleles (0.0017%); highest among the groups gnomAD compares: African/African-American, 0.0067%; no homozygotes.

Submission:

PreventionGenetics, part of Exact Sciences
Classification: Uncertain significance for PKD1L1-related condition. Last evaluated: 2026-03-15. Review status: criteria provided, single submitter. Criteria: ACMG Guidelines, 2015. Collection method: clinical testing. Allele origin: germline.
Comment: The PKD1L1 c.2014G>A variant is predicted to result in the amino acid substitution p.Glu672Lys. To our knowledge, this variant has not been reported in the literature. This variant is reported in 0.0062% of alleles in individuals of African descent in gnomAD. At this time, the clinical significance of this variant is uncertain due to the absence of conclusive functional and genetic evidence.

NM_138295.5(PKD1L1):c.2014G>A (p.Glu672Lys)

Gene: PKD1L1 (polycystin 1 like 1, transient receptor potential channel interacting; minus strand). Cytogenetic location: 7p12.3.
Variant type: single nucleotide variant.
Coding change: c.2014G>A on transcript NM_138295.5 (MANE Select); coding-DNA position 2014, G replaced by A.
Protein change: p.Glu672Lys; replaces glutamic acid 672 with lysine.
Molecular consequence: missense variant.
Genome position (GRCh38, 1-based): chr7:47,902,429, C>T on the plus strand (G>A on the coding strand, the complement: PKD1L1 is on the minus strand). VCF-style: chr7-47902429-C-T. GRCh37 (hg19) VCF-style: chr7-47942026-C-T.
Other names: short protein forms E672K.
Identifiers: ClinVar variation 4977855 (VCV004977855.1).
Genomic context (GRCh38, chr7:47,902,429, plus strand): 5'-CCGAGCCTACCTGGACTTTCCCAGGCCCCATGTTCTTCACCAGGGGTGGCTGGCAGGGCT[C>T]GCACACGATGAAAAGTTGCTGTCTTAGAGTGGAGGCACTGACATTATTGAAGGCAAGGAC-3'
Protein context (NP_612152.1, residues 662-682): TLRQQLFIVC[Glu672Lys]PCQPPLVKNM